The following is an entry in ClinVar:

ClinVar aggregate classification (germline): Uncertain significance (1 of 4 stars; one submission).

Conditions:
Idiopathic generalized epilepsy. Also called: EIG; Generalised epilepsy. Identifiers: MedGen C0270850, MONDO:0005579, OMIM 600669.

Submission:

Labcorp Genetics (formerly Invitae), Labcorp
Classification: Uncertain significance for Idiopathic generalized epilepsy. Last evaluated: 2023-09-05. Review status: criteria provided, single submitter. Criteria: Invitae Variant Classification Sherloc (09022015). Collection method: clinical testing. Allele origin: germline.
Comment: This variant is not present in population databases (gnomAD no frequency). This sequence change replaces threonine, which is neutral and polar, with proline, which is neutral and non-polar, at codon 41 of the RBFOX3 protein (p.Thr41Pro). In summary, the available evidence is currently insufficient to determine the role of this variant in disease. Therefore, it has been classified as a Variant of Uncertain Significance. Algorithms developed to predict the effect of missense changes on protein structure and function output the following: SIFT: "Not Available"; PolyPhen-2: "Benign"; Align-GVGD: "Not Available". The proline amino acid residue is found in multiple mammalian species, which suggests that this missense change does not adversely affect protein function. This variant has not been reported in the literature in individuals affected with RBFOX3-related conditions.

NM_001350451.2(RBFOX3):c.121A>C (p.Thr41Pro)

Gene: RBFOX3 (RNA binding fox-1 homolog 3; minus strand). Cytogenetic location: 17q25.3.
Variant type: single nucleotide variant.
Coding change: c.121A>C on transcript NM_001350451.2 (MANE Select); coding-DNA position 121, A replaced by C.
Protein change: p.Thr41Pro; replaces threonine 41 with proline.
Molecular consequence: missense variant.
Genome position (GRCh38, 1-based): chr17:79,115,595, T>G on the plus strand (A>C on the coding strand, the complement: RBFOX3 is on the minus strand). VCF-style: chr17-79115595-T-G. GRCh37 (hg19) VCF-style: chr17-77111677-T-G.
Other names: c.121A>C, p.Thr41Pro (NM_001082575.3, NM_001350453.2, NM_001385804.1 and 43 more transcripts); short protein forms T41P.
Identifiers: ClinVar variation 2783226 (VCV002783226.3), dbSNP rs2510559333, ClinGen allele CA401318054.
Genomic context (GRCh38, chr17:79,115,595, plus strand): 5'-CGGAGCCTGGCTGCTCGGGGTGGGTCTGTGCTGGTGTGTACAGGGTCATGCCATGCTCTG[T>G]GGGGACCGGGGTCTGGCCGGAGTAGTCCTGCGTGGGGTGCGGTGGGGGCGGGGCGTACTC-3'
Protein context (NP_001337380.1, residues 31-51): QDYSGQTPVP[Thr41Pro]EHGMTLYTPA